The following is an entry in ClinVar:

NM_006306.4(SMC1A):c.855-1G>A

Gene: SMC1A (structural maintenance of chromosomes 1A; minus strand). Cytogenetic location: Xp11.22.
Variant type: single nucleotide variant.
Coding change: c.855-1G>A on transcript NM_006306.4 (MANE Select); the canonical splice acceptor site of the intron before coding-DNA position 855, G replaced by A.
Molecular consequence: splice acceptor variant.
Genome position (GRCh38, 1-based): chrX:53,412,254, C>T on the plus strand (G>A on the coding strand, the complement: SMC1A is on the minus strand). VCF-style: chrX-53412254-C-T. GRCh37 (hg19) VCF-style: chrX-53439204-C-T.
Other names: c.789-1G>A (NM_001281463.1).
Identifiers: ClinVar variation 2812114 (VCV002812114.3), dbSNP rs2520958208, ClinGen allele CA413258134.

ClinVar aggregate classification (germline): Likely pathogenic (1 of 4 stars; one submission).

Conditions:
Congenital muscular hypertrophy-cerebral syndrome (CDLS2). Also called: SMC1A-Related Cornelia de Lange Syndrome; Cornelia de Lange syndrome 2. Identifiers: Orphanet 199, MedGen C1802395, MONDO:0010370, OMIM 300590.

Submission:

Labcorp Genetics (formerly Invitae), Labcorp
Classification: Likely pathogenic for Congenital muscular hypertrophy-cerebral syndrome. Last evaluated: 2022-11-04. Review status: criteria provided, single submitter. Criteria: Invitae Variant Classification Sherloc (09022015). Collection method: clinical testing. Allele origin: germline.
Comment: In summary, the currently available evidence indicates that the variant is pathogenic, but additional data are needed to prove that conclusively. Therefore, this variant has been classified as Likely Pathogenic. Algorithms developed to predict the effect of sequence changes on RNA splicing suggest that this variant may disrupt the consensus splice site. This variant has not been reported in the literature in individuals affected with SMC1A-related conditions. This variant is not present in population databases (gnomAD no frequency). This sequence change affects an acceptor splice site in intron 5 of the SMC1A gene. It is expected to disrupt RNA splicing. Variants that disrupt the donor or acceptor splice site typically lead to a loss of protein function (PMID: 16199547), and loss-of-function variants in SMC1A are known to be pathogenic (PMID: 26386245, 27334371, 28166369, 28548707, 31334757).

Literature cited by the submitters: PubMed 16199547; PubMed 26386245; PubMed 27334371; PubMed 28166369; PubMed 28548707; PubMed 31334757.